The following is an entry in ClinVar:

NM_133642.5(LARGE1):c.161A>C (p.Tyr54Ser)

Gene: LARGE1 (LARGE xylosyl- and glucuronyltransferase 1; minus strand). Cytogenetic location: 22q12.3.
Variant type: single nucleotide variant.
Coding change: c.161A>C on transcript NM_133642.5 (MANE Select); coding-DNA position 161, A replaced by C.
Protein change: p.Tyr54Ser; replaces tyrosine 54 with serine.
Molecular consequence: missense variant.
Genome position (GRCh38, 1-based): chr22:33,650,614, T>G on the plus strand (A>C on the coding strand, the complement: LARGE1 is on the minus strand). VCF-style: chr22-33650614-T-G. GRCh37 (hg19) VCF-style: chr22-34046600-T-G.
Other names: c.161A>C, p.Tyr54Ser (NM_001362949.2, NM_001362951.2, NM_001362953.2 and 7 more transcripts); short protein forms Y54S.
Identifiers: ClinVar variation 450783 (VCV000450783.2), dbSNP rs1555984077, ClinGen allele CA411546498.

ClinVar aggregate classification (germline): Uncertain significance (1 of 4 stars; one submission).

Submission:

GeneDx
Classification: Uncertain significance. Last evaluated: 2017-07-31. Review status: criteria provided, single submitter. Criteria: GeneDx Variant Classification (06012015). Collection method: clinical testing. Allele origin: germline. Affected: yes.
Comment: The Y54S variant has not been published as a pathogenic variant, nor has it been reported as a benign variant to our knowledge. The Y54S variant is not observed in large population cohorts (Lek et al., 2016; 1000 Genomes Consortium et al., 2015; Exome Variant Server). This variant is a semi-conservative amino acid substitution, which may impact secondary protein structure as these residues differ in some properties. This substitution occurs at a position that is conserved in mammals, and in silico analysis predicts this variant is probably damaging to the protein structure/function. However, missense variants in nearby residues have not been reported in the Human Gene Mutation Database in association with LARGE-related disorders (Stenson et al., 2014).